The following is an entry in ClinVar:

ClinVar aggregate classification (germline): Uncertain significance. Review status: criteria provided, multiple submitters, no conflicts (2 of 4 stars). 7 submissions from 7 submitters: Uncertain significance (7). Last evaluated 2025-12-13.

Conditions:
Familial isolated arrhythmogenic right ventricular dysplasia. Identifiers: Orphanet 217656, MedGen C4274968, MONDO:0016342.
Arrhythmogenic right ventricular dysplasia 11. Also called: Arrhythmogenic right ventricular dysplasia 11 with mild palmoplantar keratoderma and woolly hair; Arrhythmogenic Right Ventricular Dysplasia/Cardiomyopathy11; ARRHYTHMOGENIC RIGHT VENTRICULAR DYSPLASIA, FAMILIAL, 11. Identifiers: MedGen C1864850, MONDO:0012506, OMIM 610476.
Cardiovascular phenotype. Identifiers: MedGen CN230736.
Cardiomyopathy (CMYO). Also called: Cardiomyopathies. Identifiers: Orphanet 167848, MedGen C0878544, MONDO:0004994, HP:0001638. Inheritance: Various modes of inheritance.

Allele frequency attached by ClinVar (database versions not stated): TOPMed below 0.00001; gnomAD 0.00001.
gnomAD v4.1: 3 of 1,613,944 alleles (0.00019%); highest among the groups gnomAD compares: Non-Finnish European, 0.00025%; no homozygotes.

Submissions (7):

Labcorp Genetics (formerly Invitae), Labcorp
Classification: Uncertain significance for Arrhythmogenic right ventricular dysplasia 11. Last evaluated: 2025-12-13. Review status: criteria provided, single submitter. Criteria: Invitae Variant Classification Sherloc (09022015). Collection method: clinical testing. Allele origin: germline.
Comment: This sequence change replaces valine, which is neutral and non-polar, with methionine, which is neutral and non-polar, at codon 838 of the DSC2 protein (p.Val838Met). This variant is not present in population databases (gnomAD no frequency). This variant has not been reported in the literature in individuals affected with DSC2-related conditions. ClinVar contains an entry for this variant (Variation ID: 971484). An algorithm developed to predict the effect of missense changes on protein structure and function (PolyPhen-2) suggests that this variant is likely to be disruptive. In summary, the available evidence is currently insufficient to determine the role of this variant in disease. Therefore, it has been classified as a Variant of Uncertain Significance.

Color Diagnostics, LLC DBA Color Health
Classification: Uncertain significance for Cardiomyopathy. Last evaluated: 2025-09-09. Review status: criteria provided, single submitter. Criteria: ACMG Guidelines, 2015. Collection method: clinical testing. Allele origin: germline.
Comment: This missense variant replaces valine with methionine at codon 838 of the DSC2 protein. Computational prediction suggests that this variant may not impact protein structure and function. To our knowledge, functional studies have not been reported for this variant. This variant has not been reported in individuals affected with DSC2-related disorders in the literature. This variant has not been identified in the general population by the Genome Aggregation Database (gnomAD). The available evidence is insufficient to determine the role of this variant in disease conclusively. Therefore, this variant is classified as a Variant of Uncertain Significance.

Molecular Diagnostic Laboratory for Inherited Cardiovascular Disease, Montreal Heart Institute
Classification: Uncertain significance for Cardiovascular phenotype. Last evaluated: 2025-07-24. Review status: criteria provided, single submitter. Criteria: ACMG Guidelines, 2015. Collection method: clinical testing. Allele origin: germline. Affected: yes.
Comment: PM2

Blueprint Genetics
Classification: Uncertain significance. Last evaluated: 2024-10-08. Review status: criteria provided, single submitter. Criteria: ACMG Guidelines, 2015. Collection method: clinical testing. Allele origin: germline.

All of Us Research Program, National Institutes of Health
Classification: Uncertain significance for Familial isolated arrhythmogenic right ventricular dysplasia. Last evaluated: 2023-05-04. Review status: criteria provided, single submitter. Criteria: ACMG Guidelines, 2015. Collection method: clinical testing. Allele origin: germline. Inheritance: Autosomal dominant inheritance. Observed: 1 variant allele, 1 heterozygote.
Comment: This missense variant replaces valine with methionine at codon 838 of the DSC2 protein. Computational prediction suggests that this variant may not impact protein structure and function (internally defined REVEL score threshold <= 0.5, PMID: 27666373). To our knowledge, functional studies have not been reported for this variant. This variant has not been reported in individuals affected with DSC2-related disorders in the literature. This variant has not been identified in the general population by the Genome Aggregation Database (gnomAD). The available evidence is insufficient to determine the role of this variant in disease conclusively. Therefore, this variant is classified as a Variant of Uncertain Significance.

This study involves interpretation of variants in research participants for the purpose of population health screening. Participant phenotype was not available at the time of variant classification. Additional details can be found in publication PMID: 35346344, PMCID: PMC8962531

GeneDx
Classification: Uncertain significance. Last evaluated: 2022-09-21. Review status: criteria provided, single submitter. Criteria: GeneDx Variant Classification Process June 2021. Collection method: clinical testing. Allele origin: germline. Affected: yes.
Comment: Has not been previously published as pathogenic or benign to our knowledge; Not observed at significant frequency in large population cohorts (gnomAD); In silico analysis supports that this missense variant does not alter protein structure/function

Ambry Genetics
Classification: Uncertain significance for Cardiovascular phenotype. Last evaluated: 2022-03-21. Review status: criteria provided, single submitter. Criteria: Ambry Variant Classification Scheme 2023. Collection method: clinical testing. Allele origin: germline.
Comment: The p.V838M variant (also known as c.2512G>A), located in coding exon 16 of the DSC2 gene, results from a G to A substitution at nucleotide position 2512. The valine at codon 838 is replaced by methionine, an amino acid with highly similar properties. This amino acid position is conserved. In addition, the in silico prediction for this alteration is inconclusive. Since supporting evidence is limited at this time, the clinical significance of this alteration remains unclear.

NM_024422.6(DSC2):c.2512G>A (p.Val838Met)

Gene: DSC2 (desmocollin 2; minus strand). Cytogenetic location: 18q12.1.
Variant type: single nucleotide variant.
Coding change: c.2512G>A on transcript NM_024422.6 (MANE Select); coding-DNA position 2512, G replaced by A.
Protein change: p.Val838Met; replaces valine 838 with methionine.
Molecular consequence: missense variant. On other transcripts: 3 prime UTR variant (1).
Genome position (GRCh38, 1-based): chr18:31,068,209, C>T on the plus strand (G>A on the coding strand, the complement: DSC2 is on the minus strand). VCF-style: chr18-31068209-C-T. GRCh37 (hg19) VCF-style: chr18-28648175-C-T.
Other names: c.*14G>A (NM_004949.5); short protein forms V838M.
Identifiers: ClinVar variation 971484 (VCV000971484.16), dbSNP rs1986695514, ClinGen allele CA402110954.
Genomic context (GRCh38, chr18:31,068,209, plus strand): 5'-TATATGTCAGGACATAGTCTTGGGCATGCTTGTGATTTTCATCTTGATTACACAGATACA[C>T]TTTCTGCCAAGGGGAAAAACACAACGTTTTTATTATTATTATTTTAAACACCAAAATTTA-3'
Protein context (NP_077740.1, residues 828-848): SFTQPRLGEK[Val838Met]YLCNQDENHK